The following is an entry in ClinVar:

ClinVar aggregate classification (germline): Uncertain significance (1 of 4 stars; one submission).

Conditions:
Cardiac arrhythmia. Also called: Cardiac rhythm disease; Arrhythmia. Identifiers: MedGen C0003811, MONDO:0007263, HP:0011675.

Allele frequency attached by ClinVar (database versions not stated): gnomAD 0.00003; TOPMed 0.00003; ESP Exome Variant Server 0.00008.
gnomAD v4.1: 36 of 1,614,058 alleles (0.0022%); highest among the groups gnomAD compares: Non-Finnish European, 0.0027%; no homozygotes.

Submission:

Labcorp Genetics (formerly Invitae), Labcorp
Classification: Uncertain significance for Cardiac arrhythmia. Last evaluated: 2024-07-30. Review status: criteria provided, single submitter. Criteria: Invitae Variant Classification Sherloc (09022015). Collection method: clinical testing. Allele origin: germline.
Comment: This sequence change replaces isoleucine, which is neutral and non-polar, with valine, which is neutral and non-polar, at codon 23 of the RANGRF protein (p.Ile23Val). This variant is present in population databases (rs371469933, gnomAD 0.005%). This variant has not been reported in the literature in individuals affected with RANGRF-related conditions. ClinVar contains an entry for this variant (Variation ID: 2142264). An algorithm developed to predict the effect of missense changes on protein structure and function (PolyPhen-2) suggests that this variant is likely to be tolerated. In summary, the available evidence is currently insufficient to determine the role of this variant in disease. Therefore, it has been classified as a Variant of Uncertain Significance.

NM_016492.5(RANGRF):c.67A>G (p.Ile23Val)

Genes: RANGRF (RAN guanine nucleotide release factor; plus strand), SLC25A35 (solute carrier family 25 member 35; minus strand). Cytogenetic location: 17p13.1.
Variant type: single nucleotide variant.
Coding change: c.67A>G on transcript NM_016492.5 (MANE Select); coding-DNA position 67, A replaced by G.
Protein change: p.Ile23Val; replaces isoleucine 23 with valine.
Molecular consequence: missense variant. On other transcripts: 3 prime UTR variant (1), non-coding transcript variant (1), intron variant (1).
Genome position (GRCh38, 1-based): chr17:8,288,855, A>G. VCF-style: chr17-8288855-A-G. GRCh37 (hg19) VCF-style: chr17-8192173-A-G.
Other names: c.67A>G, p.Ile23Val (NM_001177801.2, NM_001177802.2, NM_001330127.2); c.*761T>C (NM_201520.3); c.*43-423T>C (NM_001320871.2); short protein forms I23V.
Identifiers: ClinVar variation 2142264 (VCV002142264.3), dbSNP rs371469933, ClinGen allele CA8374293.